The following is an entry in ClinVar:

NM_003242.6(TGFBR2):c.547ATC[2] (p.Ile185del)

Gene: TGFBR2 (transforming growth factor beta receptor 2; plus strand). Cytogenetic location: 3p24.1.
Variant type: Microsatellite.
Coding change: c.547ATC[2] on transcript NM_003242.6 (MANE Select); two copies in a row of the 3-base unit ATC starting at c.547; the reference has three copies in a row; one copy, 3 bases deleted.
Protein change: p.Ile185del; deletes isoleucine 185.
Molecular consequence: intron variant (on NM_001407139.1).
Genome position (GRCh38, 1-based): chr3:30,671,736-30,671,738, ATC deleted; deleting any 3 consecutive bases within chr3:30,671,728-30,671,738 gives the same sequence; the position shown is the placement nearest the transcript's 3' end. VCF-style (leftmost placement, unchanged base first): chr3-30671727-GTCA-G. GRCh37 (hg19) VCF-style: chr3-30713219-GTCA-G.
Other names: c.622ATC[2], p.Ile210del (NM_001024847.3); c.730ATC[2], p.Ile246del (NM_001407126.1); c.655ATC[2], p.Ile221del (NM_001407127.1); c.574ATC[2], p.Ile194del (NM_001407128.1); c.550ATC[2], p.Ile186del (NM_001407129.1); c.547ATC[2], p.Ile185del (NM_001407130.1); c.442ATC[2], p.Ile150del (NM_001407132.1, NM_001407133.1, NM_001407134.1 and 2 more transcripts); c.262ATC[2], p.Ile90del (NM_001407137.1); and 2 more; short protein forms I186del, I194del, I210del, I150del, I185del, I221del, I65del, I90del.
Identifiers: ClinVar variation 3672656 (VCV003672656.2).

ClinVar aggregate classification (germline): Uncertain significance (1 of 4 stars; one submission).

Conditions:
Familial thoracic aortic aneurysm and aortic dissection (TAAD). Also called: Thoracic aortic aneurysms and dissections. Identifiers: Orphanet 91387, MedGen C4707243, MONDO:0019625.

Submission:

Labcorp Genetics (formerly Invitae), Labcorp
Classification: Uncertain significance for Familial thoracic aortic aneurysm and aortic dissection. Last evaluated: 2024-05-02. Review status: criteria provided, single submitter. Criteria: Invitae Variant Classification Sherloc (09022015). Collection method: clinical testing. Allele origin: germline.
Comment: This variant, c.553_555del, results in the deletion of 1 amino acid(s) of the TGFBR2 protein (p.Ile185del), but otherwise preserves the integrity of the reading frame. This variant is not present in population databases (gnomAD no frequency). This variant has not been reported in the literature in individuals affected with TGFBR2-related conditions. Experimental studies and prediction algorithms are not available or were not evaluated, and the functional significance of this variant is currently unknown. In summary, the available evidence is currently insufficient to determine the role of this variant in disease. Therefore, it has been classified as a Variant of Uncertain Significance.